The following is an entry in ClinVar:

NM_002063.4(GLRA2):c.1270G>A (p.Ala424Thr)

Genes: FANCB (FA complementation group B; minus strand), GLRA2 (glycine receptor alpha 2; plus strand). Cytogenetic location: Xp22.2.
Variant type: single nucleotide variant.
Coding change: c.1270G>A on transcript NM_002063.4 (MANE Select); coding-DNA position 1270, G replaced by A.
Protein change: p.Ala424Thr; replaces alanine 424 with threonine.
Molecular consequence: missense variant.
Genome position (GRCh38, 1-based): chrX:14,730,396, G>A. VCF-style: chrX-14730396-G-A. GRCh37 (hg19) VCF-style: chrX-14748518-G-A.
Other names: c.1270G>A, p.Ala424Thr (NM_001118885.2, NM_001118886.2); c.1003G>A, p.Ala335Thr (NM_001171942.2); short protein forms A335T, A424T.
Identifiers: ClinVar variation 4534563 (VCV004534563.6).

ClinVar aggregate classification (germline): Uncertain significance (1 of 4 stars; one submission).

gnomAD v4.1: 1 of 1,205,810 alleles (0.000083%); highest among the groups gnomAD compares: Non-Finnish European, 0.00011%; no homozygotes.

Submission:

CeGaT Center for Human Genetics Tuebingen
Classification: Uncertain significance. Last evaluated: 2025-11-01. Review status: criteria provided, single submitter. Criteria: CeGaT Center For Human Genetics Tuebingen Variant Classification Criteria Version 2. Collection method: clinical testing. Allele origin: germline. Affected: yes. Observed: 1 variant allele.
Comment: GLRA2: PM2, PP3